The following is an entry in ClinVar:

ClinVar aggregate classification (germline): Uncertain significance (1 of 4 stars; one submission).

Conditions:
Griscelli syndrome type 2 (GS2). Also called: PAID SYNDROME; PARTIAL ALBINISM AND IMMUNODEFICIENCY SYNDROME; GRISCELLI SYNDROME WITH HEMOPHAGOCYTIC SYNDROME. Identifiers: Orphanet 381, Orphanet 79477, MedGen C1868679, MONDO:0011872, OMIM 607624.

Allele frequency attached by ClinVar (database versions not stated): gnomAD exomes below 0.00001.

Submission:

Labcorp Genetics (formerly Invitae), Labcorp
Classification: Uncertain significance for Griscelli syndrome type 2. Last evaluated: 2023-12-11. Review status: criteria provided, single submitter. Criteria: Invitae Variant Classification Sherloc (09022015). Collection method: clinical testing. Allele origin: germline.
Comment: This sequence change replaces valine, which is neutral and non-polar, with leucine, which is neutral and non-polar, at codon 198 of the RAB27A protein (p.Val198Leu). This variant is not present in population databases (gnomAD no frequency). This variant has not been reported in the literature in individuals affected with RAB27A-related conditions. ClinVar contains an entry for this variant (Variation ID: 2110878). Advanced modeling of protein sequence and biophysical properties (such as structural, functional, and spatial information, amino acid conservation, physicochemical variation, residue mobility, and thermodynamic stability) performed at Invitae indicates that this missense variant is not expected to disrupt RAB27A protein function with a negative predictive value of 95%. In summary, the available evidence is currently insufficient to determine the role of this variant in disease. Therefore, it has been classified as a Variant of Uncertain Significance.

NM_183235.3(RAB27A):c.592G>T (p.Val198Leu)

Gene: RAB27A (RAB27A, member RAS oncogene family; minus strand). Cytogenetic location: 15q21.3.
Variant type: single nucleotide variant.
Coding change: c.592G>T on transcript NM_183235.3 (MANE Select); coding-DNA position 592, G replaced by T.
Protein change: p.Val198Leu; replaces valine 198 with leucine.
Molecular consequence: missense variant.
Genome position (GRCh38, 1-based): chr15:55,205,581, C>A on the plus strand (G>T on the coding strand, the complement: RAB27A is on the minus strand). VCF-style: chr15-55205581-C-A. GRCh37 (hg19) VCF-style: chr15-55497779-C-A.
Other names: c.592G>T, p.Val198Leu (NM_004580.5, NM_183234.3, NM_183236.3); short protein forms V198L.
Identifiers: ClinVar variation 2110878 (VCV002110878.4), dbSNP rs2542607271, ClinGen allele CA392781825.